The following is an entry in ClinVar:

NM_203447.4(DOCK8):c.1863T>C (p.His621=)

Gene: DOCK8 (dedicator of cytokinesis 8; plus strand). Cytogenetic location: 9p24.3.
Variant type: single nucleotide variant.
Coding change: c.1863T>C on transcript NM_203447.4 (MANE Select); coding-DNA position 1863, T replaced by C.
Protein change: p.His621=; no amino-acid change (histidine 621 retained).
Molecular consequence: synonymous variant.
Genome position (GRCh38, 1-based): chr9:370,295, T>C. VCF-style: chr9-370295-T-C. GRCh37 (hg19) VCF-style: chr9-370295-T-C.
Other names: c.1659T>C, p.His553= (NM_001190458.2, NM_001193536.2).
Identifiers: ClinVar variation 388148 (VCV000388148.3), dbSNP rs1057523014, ClinGen allele CA16605539.

ClinVar aggregate classification (germline): Likely benign. Review status: criteria provided, multiple submitters, no conflicts (2 of 4 stars). 2 submissions from 2 submitters: Likely benign (2). Last evaluated 2025-09-28.

Conditions:
Combined immunodeficiency due to DOCK8 deficiency (HIES2). Also called: Hyper-IgE recurrent infection syndrome, autosomal recessive; HYPER-IgE RECURRENT INFECTION SYNDROME 2, AUTOSOMAL RECESSIVE; HIES autosomal recessive; DOCK8 Deficiency; HYPER-IgE SYNDROME 2, AUTOSOMAL RECESSIVE, WITH RECURRENT INFECTIONS. Identifiers: Orphanet 217390, MedGen C4722305, MONDO:0009478, OMIM 243700.

Allele frequency attached by ClinVar (database versions not stated): gnomAD exomes below 0.00001; gnomAD 0.00001.
gnomAD v4.1: 6 of 1,613,750 alleles (0.00037%); highest among the groups gnomAD compares: South Asian, 0.0011%; no homozygotes.

Submissions (2):

Labcorp Genetics (formerly Invitae), Labcorp
Classification: Likely benign for Combined immunodeficiency due to DOCK8 deficiency. Last evaluated: 2025-09-28. Review status: criteria provided, single submitter. Criteria: Invitae Variant Classification Sherloc (09022015). Collection method: clinical testing. Allele origin: germline.

GeneDx
Classification: Likely benign. Last evaluated: 2016-08-03. Review status: criteria provided, single submitter. Criteria: GeneDx Variant Classification (06012015). Collection method: clinical testing. Allele origin: germline. Affected: yes.
Comment: This variant is considered likely benign or benign based on one or more of the following criteria: it is a conservative change, it occurs at a poorly conserved position in the protein, it is predicted to be benign by multiple in silico algorithms, and/or has population frequency not consistent with disease.